The following is an entry in ClinVar:

NM_001112741.2(KCNC1):c.958del (p.Arg320fs)

Gene: KCNC1 (potassium voltage-gated channel subfamily C member 1; plus strand). Cytogenetic location: 11p15.1.
Variant type: Deletion.
Coding change: c.958del on transcript NM_001112741.2 (MANE Select); coding-DNA position 958, one base deleted (C; older notation c.958delC).
Protein change: p.Arg320fs; shifts the reading frame from arginine 320.
Molecular consequence: frameshift variant.
Genome position (GRCh38, 1-based): chr11:17,772,052, C deleted. VCF-style (leftmost placement, unchanged base first): chr11-17772051-GC-G. GRCh37 (hg19) VCF-style: chr11-17793598-GC-G.
Other names: c.958del, p.Arg320fs (NM_004976.4); short protein forms R320fs.
Identifiers: ClinVar variation 1374850 (VCV001374850.6), dbSNP rs2133805185, ClinGen allele CA2573146183.
Genomic context (GRCh38, chr11:17,772,051, plus strand): 5'-CTCCAAGGCAGCCAAGGACGTGCTGGGCTTCCTGCGCGTCGTCCGCTTCGTGCGCATCTT[GC>G]GCATCTTTAAGCTGACCCGCCACTTTGTGGGCCTGCGGGTCCTGGGCCACACGCTCCGAG-3'

ClinVar aggregate classification (germline): Uncertain significance (1 of 4 stars; one submission).

Conditions:
Progressive myoclonic epilepsy type 7. Identifiers: Orphanet 435438, MedGen C4015420, MONDO:0014521, OMIM 616187.

Submission:

Labcorp Genetics (formerly Invitae), Labcorp
Classification: Uncertain significance for Progressive myoclonic epilepsy type 7. Last evaluated: 2021-06-30. Review status: criteria provided, single submitter. Criteria: Invitae Variant Classification Sherloc (09022015). Collection method: clinical testing. Allele origin: germline.
Comment: This sequence change creates a premature translational stop signal (p.Arg320Alafs*5) in the KCNC1 gene. It is expected to result in an absent or disrupted protein product. However, the current clinical and genetic evidence is not sufficient to establish whether loss-of-function variants in KCNC1 cause disease. This variant is not present in population databases (ExAC no frequency). This variant has not been reported in the literature in individuals with KCNC1-related conditions. In summary, the available evidence is currently insufficient to determine the role of this variant in disease. Therefore, it has been classified as a Variant of Uncertain Significance.